The following is an entry in ClinVar:

ClinVar aggregate classification (germline): Benign/Likely benign. Review status: criteria provided, multiple submitters, no conflicts (2 of 4 stars). 3 submissions from 3 submitters: Benign (1); Likely benign (2). Last evaluated 2026-01-19.

Conditions:
Hereditary cancer-predisposing syndrome. Also called: Neoplastic Syndromes, Hereditary; Hereditary neoplastic syndrome; Tumor predisposition; Hereditary Cancer Syndrome. Identifiers: Orphanet 140162, MedGen C0027672, MeSH D009386, MONDO:0015356.
Hereditary diffuse gastric adenocarcinoma (HDGC). Also called: DIFFUSE GASTRIC AND LOBULAR BREAST CANCER SYNDROME. Identifiers: Orphanet 26106, MedGen C1708349, MONDO:0007648, OMIM 137215.

Submissions (3):

Labcorp Genetics (formerly Invitae), Labcorp
Classification: Likely benign for Hereditary diffuse gastric adenocarcinoma. Last evaluated: 2026-01-19. Review status: criteria provided, single submitter. Criteria: Invitae Variant Classification Sherloc (09022015). Collection method: clinical testing. Allele origin: germline.

Myriad Genetics, Inc.
Classification: Benign for Hereditary diffuse gastric adenocarcinoma. Last evaluated: 2024-09-17. Review status: criteria provided, single submitter. Criteria: Myriad Autosomal Dominant, Autosomal Recessive and X-Linked Classification Criteria (2023). Collection method: clinical testing. Allele origin: unknown.
Comment: This variant is considered benign. This variant is a silent/synonymous amino acid change and it is not expected to impact splicing.

Color Diagnostics, LLC DBA Color Health
Classification: Likely benign for Hereditary cancer-predisposing syndrome. Last evaluated: 2020-03-01. Review status: criteria provided, single submitter. Criteria: ACMG Guidelines, 2015. Collection method: clinical testing. Allele origin: germline.

NM_004360.5(CDH1):c.960C>T (p.Asn320=)

Gene: CDH1 (cadherin 1; plus strand). Cytogenetic location: 16q22.1.
Variant type: single nucleotide variant.
Coding change: c.960C>T on transcript NM_004360.5 (MANE Select); coding-DNA position 960, C replaced by T.
Protein change: p.Asn320=; no amino-acid change (asparagine 320 retained).
Molecular consequence: synonymous variant. On other transcripts: 5 prime UTR variant (2).
Genome position (GRCh38, 1-based): chr16:68,811,811, C>T. VCF-style: chr16-68811811-C-T. GRCh37 (hg19) VCF-style: chr16-68845714-C-T.
Other names: c.960C>T (LRG_301t1); c.960C>T, p.Asn320= (NM_001317184.2); c.-656C>T (NM_001317185.2); c.-860C>T (NM_001317186.2).
Identifiers: ClinVar variation 532495 (VCV000532495.12), dbSNP rs1555515647, ClinGen allele CA496152939.
Genomic context (GRCh38, chr16:68,811,811, plus strand): 5'-CGCTTACACCATCCTCAGCCAAGATCCTGAGCTCCCTGACAAAAATATGTTCACCATTAA[C>T]AGGAACACAGGAGTCATCAGTGTGGTCACCACTGGGCTGGACCGAGAGGTCAGGGGTCAG-3'
Protein context (NP_004351.1, residues 310-330): ELPDKNMFTI[Asn320=]RNTGVISVVT